The following is an entry in ClinVar:

NM_005529.7(HSPG2):c.7191G>A (p.Ala2397=)

Gene: HSPG2 (heparan sulfate proteoglycan 2; minus strand). Cytogenetic location: 1p36.12.
Variant type: single nucleotide variant.
Coding change: c.7191G>A on transcript NM_005529.7 (MANE Select); coding-DNA position 7191, G replaced by A.
Protein change: p.Ala2397=; no amino-acid change (alanine 2397 retained).
Molecular consequence: synonymous variant.
Genome position (GRCh38, 1-based): chr1:21,850,466, C>T on the plus strand (G>A on the coding strand, the complement: HSPG2 is on the minus strand). VCF-style: chr1-21850466-C-T. GRCh37 (hg19) VCF-style: chr1-22176959-C-T.
Other names: c.7194G>A, p.Ala2398= (NM_001291860.2).
Identifiers: ClinVar variation 295795 (VCV000295795.22), dbSNP rs2290499, ClinGen allele CA671277.

ClinVar aggregate classification (germline): Benign/Likely benign. Review status: criteria provided, multiple submitters, no conflicts (2 of 4 stars). 7 submissions from 6 submitters: Benign (3); Likely benign (3). 1 of the submissions does not count toward it. Last evaluated 2025-12-11.

Conditions:
Connective tissue disorder. Also called: Connective tissue disease. Identifiers: MedGen C0009782, MONDO:0003900.
Lethal Kniest-like syndrome (DDSH). Also called: Dyssegmental Dysplasia. Identifiers: Orphanet 1865, MedGen C1857100, MONDO:0009140, OMIM 224410.
HSPG2-related disorder. Also called: HSPG2-related condition; HSPG2-related disorders.
Schwartz-Jampel syndrome. Also called: Myotonic myopathy dwarfism chondrodystrophy and ocular and facial abnormalities. Identifiers: Orphanet 800, MedGen C0036391, MONDO:0009717.

Allele frequency attached by ClinVar (database versions not stated): ESP Exome Variant Server 0.00038; TOPMed 0.00053; 1000 Genomes Project 30x 0.00156; gnomAD exomes 0.00161 and 0.00302; gnomAD 0.00206 and 0.00219; ExAC 0.00317; 1000 Genomes Project 0.00459.
gnomAD v4.1: 2,675 of 1,611,986 alleles (0.17%); highest among the groups gnomAD compares: East Asian, 1.6%; 23 homozygotes.

Submissions (7):

Labcorp Genetics (formerly Invitae), Labcorp
Classification: Benign. Last evaluated: 2025-12-11. Review status: criteria provided, single submitter. Criteria: Invitae Variant Classification Sherloc (09022015). Collection method: clinical testing. Allele origin: germline.

ARUP Laboratories, Molecular Genetics and Genomics, ARUP Laboratories
Classification: Likely benign. Last evaluated: 2022-03-10. Review status: criteria provided, single submitter. Criteria: ARUP Molecular Germline Variant Investigation Process 2021. Collection method: clinical testing. Allele origin: germline.

Genome Diagnostics Laboratory, The Hospital for Sick Children
Classification: Benign for Connective tissue disorder. Last evaluated: 2021-01-19. Review status: criteria provided, single submitter. Criteria: ACMG Guidelines, 2015. Collection method: clinical testing. Allele origin: germline.

Athena Diagnostics
Classification: Benign. Last evaluated: 2018-08-20. Review status: criteria provided, single submitter. Criteria: Athena Diagnostics Criteria. Collection method: clinical testing. Allele origin: germline.

Illumina Laboratory Services, Illumina
Classification: Likely benign for Lethal Kniest-like syndrome. Last evaluated: 2018-01-12. Review status: criteria provided, single submitter. Criteria: ICSL Variant Classification Criteria 13 December 2019. Collection method: clinical testing. Allele origin: germline.
Comment: This variant was observed in the ICSL laboratory as part of a predisposition screen in an ostensibly healthy population. It had not been previously curated by ICSL or reported in the Human Gene Mutation Database (HGMD: prior to June 1st, 2018), and was therefore a candidate for classification through an automated scoring system. Utilizing variant allele frequency, disease prevalence and penetrance estimates, and inheritance mode, an automated score was calculated to assess if this variant is too frequent to cause the disease. Based on the score and internal cut-off values, a variant classified as likely benign is not then subjected to further curation. The score for this variant resulted in a classification of likely benign for this disease.

Illumina Laboratory Services, Illumina
Classification: Likely benign for Schwartz-Jampel syndrome type 1. Last evaluated: 2018-01-12. Review status: criteria provided, single submitter. Criteria: ICSL Variant Classification Criteria 13 December 2019. Collection method: clinical testing. Allele origin: germline.
Comment: the same text as in the submission from Illumina Laboratory Services, Illumina above.

PreventionGenetics, part of Exact Sciences
Classification: Likely benign for HSPG2-related condition. Last evaluated: 2024-06-05. Review status: no assertion criteria provided. Collection method: clinical testing. Allele origin: germline. Not counted in ClinVar's aggregate classification.
Comment: This variant is classified as likely benign based on ACMG/AMP sequence variant interpretation guidelines (Richards et al. 2015 PMID: 25741868, with internal and published modifications).